The following is an entry in ClinVar:

NM_012471.3(TRPC5):c.1497C>A (p.Ala499=)

Gene: TRPC5 (transient receptor potential cation channel subfamily C member 5; minus strand). Cytogenetic location: Xq23.
Variant type: single nucleotide variant.
Coding change: c.1497C>A on transcript NM_012471.3 (MANE Select); coding-DNA position 1497, C replaced by A.
Protein change: p.Ala499=; no amino-acid change (alanine 499 retained).
Molecular consequence: synonymous variant.
Genome position (GRCh38, 1-based): chrX:111,847,317, G>T on the plus strand (C>A on the coding strand, the complement: TRPC5 is on the minus strand). VCF-style: chrX-111847317-G-T. GRCh37 (hg19) VCF-style: chrX-111090545-G-T.
Identifiers: ClinVar variation 4990003 (VCV004990003.1).
Genomic context (GRCh38, chrX:111,847,317, plus strand): 5'-TTTGAGGATATCAAGCAGCATGCGTCCCAAAGAGATCTGCAGAGGTCCTAAGTGGGAGTT[G>T]GCTGTGAACAGGGATATGAGACGCAACGAACTTAAAATGTTGGATATTGCGAAGAGTGCT-3'
Protein context (NP_036603.1, residues 489-509): SSLRLISLFT[Ala499=]NSHLGPLQIS

ClinVar aggregate classification (germline): Likely benign (1 of 4 stars; one submission).

Conditions:
TRPC5-related disorder. Also called: TRPC5-related condition.

Submission:

PreventionGenetics, part of Exact Sciences
Classification: Likely benign for TRPC5-related condition. Last evaluated: 2025-03-04. Review status: criteria provided, single submitter. Criteria: ACMG Guidelines, 2015. Collection method: clinical testing. Allele origin: germline.
Comment: This variant is classified as likely benign based on ACMG/AMP sequence variant interpretation guidelines (Richards et al. 2015 PMID: 25741868, with internal and published modifications).